The following is an entry in ClinVar:

ClinVar aggregate classification (germline): Uncertain significance. Review status: criteria provided, multiple submitters, no conflicts (2 of 4 stars). 3 submissions from 3 submitters: Uncertain significance (3). Last evaluated 2024-04-27.

Conditions:
Glycogen storage disease, type II (IOPD). Also called: Pompe Disease; Glycogen storage disease type 2; Acid maltase deficiency disease; Aglucosidase alfa; Deficiency of alpha-glucosidase; Deficiency of lysosomal alpha-glucosidase. Identifiers: Orphanet 365, MedGen C0017921, MONDO:0009290, OMIM 232300.
Cardiovascular phenotype. Identifiers: MedGen CN230736.

Submissions (3):

Ambry Genetics
Classification: Uncertain significance for Cardiovascular phenotype. Last evaluated: 2024-04-27. Review status: criteria provided, single submitter. Criteria: Ambry Variant Classification Scheme 2023. Collection method: clinical testing. Allele origin: germline.
Comment: The p.R608L variant (also known as c.1823G>T), located in coding exon 12 of the GAA gene, results from a G to T substitution at nucleotide position 1823. The arginine at codon 608 is replaced by leucine, an amino acid with dissimilar properties. This amino acid position is conserved. In addition, the in silico prediction for this alteration is inconclusive. Since supporting evidence is limited at this time, the clinical significance of this alteration remains unclear.

Labcorp Genetics (formerly Invitae), Labcorp
Classification: Uncertain significance for Glycogen storage disease, type II. Last evaluated: 2022-08-22. Review status: criteria provided, single submitter. Criteria: Invitae Variant Classification Sherloc (09022015). Collection method: clinical testing. Allele origin: germline.
Comment: This sequence change replaces arginine, which is basic and polar, with leucine, which is neutral and non-polar, at codon 608 of the GAA protein (p.Arg608Leu). This variant is not present in population databases (gnomAD no frequency). This variant has not been reported in the literature in individuals affected with GAA-related conditions. Advanced modeling of protein sequence and biophysical properties (such as structural, functional, and spatial information, amino acid conservation, physicochemical variation, residue mobility, and thermodynamic stability) performed at Invitae indicates that this missense variant is expected to disrupt GAA protein function. In summary, the available evidence is currently insufficient to determine the role of this variant in disease. Therefore, it has been classified as a Variant of Uncertain Significance.

Fulgent Genetics
Classification: Uncertain significance for Glycogen storage disease, type II. Last evaluated: 2021-12-21. Review status: criteria provided, single submitter. Criteria: ACMG Guidelines, 2015. Collection method: clinical testing. Allele origin: unknown.

NM_000152.5(GAA):c.1823G>T (p.Arg608Leu)

Gene: GAA (alpha glucosidase; plus strand). Cytogenetic location: 17q25.3.
Variant type: single nucleotide variant.
Coding change: c.1823G>T on transcript NM_000152.5 (MANE Select); coding-DNA position 1823, G replaced by T.
Protein change: p.Arg608Leu; replaces arginine 608 with leucine.
Molecular consequence: missense variant.
Genome position (GRCh38, 1-based): chr17:80,112,646, G>T. VCF-style: chr17-80112646-G-T. GRCh37 (hg19) VCF-style: chr17-78086445-G-T.
Other names: c.1823G>T, p.Arg608Leu (NM_001079803.3, NM_001079804.3); short protein forms R608L.
Identifiers: ClinVar variation 1405804 (VCV001405804.9), dbSNP rs377126280, ClinGen allele CA294896401.